The following is an entry in ClinVar:

ClinVar aggregate classification (germline): Likely benign. Review status: criteria provided, multiple submitters, no conflicts (2 of 4 stars). 3 submissions from 3 submitters: Likely benign (2). 1 of the submissions does not count toward it. Last evaluated 2024-11-01.

Conditions:
MEN1-related disorder. Also called: MEN1-related condition.
Multiple endocrine neoplasia, type 1 (MEN1). Also called: MEA I; MEN I; WERMER SYNDROME; Endocrine adenomatosis multiple; MEN 1. Identifiers: Orphanet 652, MedGen C0025267, MeSH D018761, MONDO:0007540, OMIM 131100.

Allele frequency attached by ClinVar (database versions not stated): gnomAD exomes below 0.00001.

Submissions (3):

Myriad Genetics, Inc.
Classification: Likely benign for Multiple endocrine neoplasia, type 1. Last evaluated: 2024-11-01. Review status: criteria provided, single submitter. Criteria: Myriad Autosomal Dominant, Autosomal Recessive and X-Linked Classification Criteria (2023). Collection method: clinical testing. Allele origin: unknown.
Comment: This variant is considered likely benign. This variant is intronic and is not expected to impact mRNA splicing.

Labcorp Genetics (formerly Invitae), Labcorp
Classification: Likely benign for Multiple endocrine neoplasia, type 1. Last evaluated: 2022-08-21. Review status: criteria provided, single submitter. Criteria: Invitae Variant Classification Sherloc (09022015). Collection method: clinical testing. Allele origin: germline.

PreventionGenetics, part of Exact Sciences
Classification: Likely benign for MEN1-related condition. Last evaluated: 2022-03-09. Review status: no assertion criteria provided. Collection method: clinical testing. Allele origin: germline. Not counted in ClinVar's aggregate classification.
Comment: This variant is classified as likely benign based on ACMG/AMP sequence variant interpretation guidelines (Richards et al. 2015 PMID: 25741868, with internal and published modifications).

NM_001370259.2(MEN1):c.446-7T>C

Gene: MEN1 (menin 1; minus strand). Cytogenetic location: 11q13.1.
Variant type: single nucleotide variant.
Coding change: c.446-7T>C on transcript NM_001370259.2 (MANE Select); 7 bases into the intron before coding-DNA position 446, T replaced by C.
Molecular consequence: intron variant.
Genome position (GRCh38, 1-based): chr11:64,808,106, A>G on the plus strand (T>C on the coding strand, the complement: MEN1 is on the minus strand). VCF-style: chr11-64808106-A-G. GRCh37 (hg19) VCF-style: chr11-64575578-A-G.
Other names: c.461-7T>C (NM_130804.3, NM_130803.3, NM_000244.4 and 4 more transcripts); c.446-7T>C (NM_130799.3, NM_001370260.2, NM_001370251.2 and 3 more transcripts).
Identifiers: ClinVar variation 1653000 (VCV001653000.11), dbSNP rs2136160148, ClinGen allele CA2573147360.